The following is an entry in ClinVar:

ClinVar aggregate classification (germline): Uncertain significance. Review status: criteria provided, multiple submitters, no conflicts (2 of 4 stars). 2 submissions from 2 submitters: Uncertain significance (2). Last evaluated 2024-02-01.

Conditions:
Hereditary cancer-predisposing syndrome. Also called: Hereditary neoplastic syndrome; Neoplastic Syndromes, Hereditary; Hereditary Cancer Syndrome; Tumor predisposition. Identifiers: Orphanet 140162, MedGen C0027672, MeSH D009386, MONDO:0015356.
Gastrointestinal stromal tumor. Also called: Gastrointestinal stroma tumor; Gastrointestinal stromal tumor, somatic. Identifiers: Orphanet 44890, MedGen C0238198, MeSH D046152, MONDO:0011719, OMIM 606764, HP:0100723.

Submissions (2):

Ambry Genetics
Classification: Uncertain significance for Hereditary cancer-predisposing syndrome. Last evaluated: 2024-02-01. Review status: criteria provided, single submitter. Criteria: Ambry Variant Classification Scheme 2023. Collection method: clinical testing. Allele origin: germline.
Comment: The p.L350M variant (also known as c.1048C>A), located in coding exon 6 of the PDGFRA gene, results from a C to A substitution at nucleotide position 1048. The leucine at codon 350 is replaced by methionine, an amino acid with highly similar properties. This amino acid position is conserved. In addition, this alteration is predicted to be tolerated by in silico analysis. Based on the available evidence, the clinical significance of this alteration remains unclear.

Labcorp Genetics (formerly Invitae), Labcorp
Classification: Uncertain significance for Gastrointestinal stromal tumor. Last evaluated: 2022-03-03. Review status: criteria provided, single submitter. Criteria: Invitae Variant Classification Sherloc (09022015). Collection method: clinical testing. Allele origin: germline.
Comment: This variant is not present in population databases (gnomAD no frequency). This sequence change replaces leucine, which is neutral and non-polar, with methionine, which is neutral and non-polar, at codon 350 of the PDGFRA protein (p.Leu350Met). This variant has not been reported in the literature in individuals affected with PDGFRA-related conditions. In summary, the available evidence is currently insufficient to determine the role of this variant in disease. Therefore, it has been classified as a Variant of Uncertain Significance. Algorithms developed to predict the effect of missense changes on protein structure and function are either unavailable or do not agree on the potential impact of this missense change (SIFT: "Tolerated"; PolyPhen-2: "Probably Damaging"; Align-GVGD: "Class C0").

NM_006206.6(PDGFRA):c.1048C>A (p.Leu350Met)

Gene: PDGFRA (platelet derived growth factor receptor alpha; plus strand). Cytogenetic location: 4q12.
Variant type: single nucleotide variant.
Coding change: c.1048C>A on transcript NM_006206.6 (MANE Select); coding-DNA position 1048, C replaced by A.
Protein change: p.Leu350Met; replaces leucine 350 with methionine.
Molecular consequence: missense variant.
Genome position (GRCh38, 1-based): chr4:54,267,668, C>A. VCF-style: chr4-54267668-C-A. GRCh37 (hg19) VCF-style: chr4-55133835-C-A.
Other names: c.1048C>A, p.Leu350Met (NM_001347827.2, NM_001347829.2); c.1123C>A, p.Leu375Met (NM_001347828.2); c.1087C>A, p.Leu363Met (NM_001347830.2); short protein forms L350M, L363M, L375M.
Identifiers: ClinVar variation 2105914 (VCV002105914.5), dbSNP rs2475456174, ClinGen allele CA356891682.